The following is an entry in ClinVar:

ClinVar aggregate classification (germline): Benign/Likely benign. Review status: criteria provided, multiple submitters, no conflicts (2 of 4 stars). 25 submissions from 18 submitters: Benign (15); Likely benign (6). 4 of the submissions do not count toward it. Last evaluated 2026-08-01.

Conditions:
Cardiovascular phenotype. Identifiers: MedGen CN230736.
Autosomal recessive limb-girdle muscular dystrophy type 2J (LGMDR10). Also called: MUSCULAR DYSTROPHY, LIMB-GIRDLE, AUTOSOMAL RECESSIVE 10; Limb-girdle muscular dystrophy, type 2J. Identifiers: Orphanet 140922, MedGen C1837342, MONDO:0012127, OMIM 608807.
Dilated cardiomyopathy 1G (CMD1G). Identifiers: Orphanet 154, MedGen C1858763, MONDO:0011400, OMIM 604145.
Cardiomyopathy (CMYO). Also called: Cardiomyopathies. Identifiers: Orphanet 167848, MedGen C0878544, MONDO:0004994, HP:0001638. Inheritance: Various modes of inheritance.
Myopathy, myofibrillar, 9, with early respiratory failure (MFM9). Also called: Myopathy, distal, with early respiratory failure, autosomal dominant; Hereditary myopathy with early respiratory failure; EDSTROM MYOPATHY; MYOPATHY, PROXIMAL, WITH EARLY RESPIRATORY MUSCLE INVOLVEMENT. Identifiers: Orphanet 178464, Orphanet 34521, MedGen C1863599, MONDO:0011362, OMIM 603689.
Early-onset myopathy with fatal cardiomyopathy (CMYO5). Also called: CONGENITAL MYOPATHY 5 WITH CARDIOMYOPATHY; Salih Myopathy. Identifiers: Orphanet 289377, MedGen C2673677, MONDO:0012714, OMIM 611705. Disease mechanism: loss of function.
Tibial muscular dystrophy (TMD). Also called: Tibial muscular dystrophy, tardive; Udd Distal Myopathy – Tibial Muscular Dystrophy; UDD MYOPATHY. Identifiers: Orphanet 609, MedGen C1838244, MONDO:0010870, OMIM 600334.

Allele frequency attached by ClinVar (database versions not stated): 1000 Genomes Project 30x 0.00203; gnomAD 0.00077 and 0.00047; gnomAD exomes 0.00244; ExAC 0.00256; ESP Exome Variant Server 0.00051; TOPMed 0.00066; 1000 Genomes Project 0.00220.
gnomAD v4.1: 1,873 of 1,610,950 alleles (0.12%); highest among the groups gnomAD compares: South Asian, 1.2%; 21 homozygotes.

Submissions (25):

CeGaT Center for Human Genetics Tuebingen
Classification: Benign. Last evaluated: 2026-08-01. Review status: criteria provided, single submitter. Criteria: CeGaT Center For Human Genetics Tuebingen Variant Classification Criteria Version 2. Collection method: clinical testing. Allele origin: germline. Affected: yes. Observed: 34 variant alleles.
Comment: TTN: BP4, BP7, BS1, BS2

Labcorp Genetics (formerly Invitae), Labcorp
Classification: Benign for Dilated cardiomyopathy 1G; Autosomal recessive limb-girdle muscular dystrophy type 2J. Last evaluated: 2026-02-03. Review status: criteria provided, single submitter. Criteria: Invitae Variant Classification Sherloc (09022015). Collection method: clinical testing. Allele origin: germline.

Molecular Diagnostic Laboratory for Inherited Cardiovascular Disease, Montreal Heart Institute
Classification: Benign. Last evaluated: 2025-04-09. Review status: criteria provided, single submitter. Criteria: ACMG Guidelines, 2015. Collection method: clinical testing. Allele origin: germline. Affected: no.

Mayo Clinic Laboratories, Mayo Clinic
Classification: Benign. Last evaluated: 2025-02-07. Review status: criteria provided, single submitter. Criteria: ACMG Guidelines, 2015. Collection method: clinical testing. Allele origin: germline. Observed: 4 variant alleles.
Comment: BS1, BS2, BP4, BP7

Blueprint Genetics
Classification: Likely benign. Last evaluated: 2024-11-26. Review status: criteria provided, single submitter. Criteria: ACMG Guidelines, 2015. Collection method: clinical testing. Allele origin: germline.

Women's Health and Genetics/Laboratory Corporation of America, LabCorp
Classification: Benign. Last evaluated: 2021-11-21. Review status: criteria provided, single submitter. Criteria: LabCorp Variant Classification Summary - May 2015. Collection method: clinical testing. Allele origin: germline.

Genome-Nilou Lab
Classification: Benign for Autosomal recessive limb-girdle muscular dystrophy type 2J. Last evaluated: 2021-09-10. Review status: criteria provided, single submitter. Criteria: ACMG Guidelines, 2015. Collection method: clinical testing. Allele origin: germline. Affected: no.

Genome-Nilou Lab
Classification: Benign for Myopathy, myofibrillar, 9, with early respiratory failure. Last evaluated: 2021-09-10. Review status: criteria provided, single submitter. Criteria: ACMG Guidelines, 2015. Collection method: clinical testing. Allele origin: germline. Affected: no.

Genome-Nilou Lab
Classification: Benign for Early-onset myopathy with fatal cardiomyopathy. Last evaluated: 2021-09-10. Review status: criteria provided, single submitter. Criteria: ACMG Guidelines, 2015. Collection method: clinical testing. Allele origin: germline. Affected: no.

Genome-Nilou Lab
Classification: Benign for Tibial muscular dystrophy. Last evaluated: 2021-09-10. Review status: criteria provided, single submitter. Criteria: ACMG Guidelines, 2015. Collection method: clinical testing. Allele origin: germline. Affected: no.

Illumina Laboratory Services, Illumina
Classification: Likely benign for Early-onset myopathy with fatal cardiomyopathy. Last evaluated: 2018-01-12. Review status: criteria provided, single submitter. Criteria: ICSL Variant Classification Criteria 13 December 2019. Collection method: clinical testing. Allele origin: germline.
Comment: This variant was observed in the ICSL laboratory as part of a predisposition screen in an ostensibly healthy population. It had not been previously curated by ICSL or reported in the Human Gene Mutation Database (HGMD: prior to June 1st, 2018), and was therefore a candidate for classification through an automated scoring system. Utilizing variant allele frequency, disease prevalence and penetrance estimates, and inheritance mode, an automated score was calculated to assess if this variant is too frequent to cause the disease. Based on the score and internal cut-off values, a variant classified as likely benign is not then subjected to further curation. The score for this variant resulted in a classification of likely benign for this disease.

Illumina Laboratory Services, Illumina
Classification: Benign for Myopathy, myofibrillar, 9, with early respiratory failure. Last evaluated: 2018-01-12. Review status: criteria provided, single submitter. Criteria: ICSL Variant Classification Criteria 13 December 2019. Collection method: clinical testing. Allele origin: germline.
Comment: This variant was observed in the ICSL laboratory as part of a predisposition screen in an ostensibly healthy population. It had not been previously curated by ICSL or reported in the Human Gene Mutation Database (HGMD: prior to June 1st, 2018), and was therefore a candidate for classification through an automated scoring system. Utilizing variant allele frequency, disease prevalence and penetrance estimates, and inheritance mode, an automated score was calculated to assess if this variant is too frequent to cause the disease. Based on the score and internal cut-off values, a variant classified as benign is not then subjected to further curation. The score for this variant resulted in a classification of benign for this disease.

Illumina Laboratory Services, Illumina
Classification: Benign for Tibial muscular dystrophy. Last evaluated: 2018-01-12. Review status: criteria provided, single submitter. Criteria: ICSL Variant Classification Criteria 13 December 2019. Collection method: clinical testing. Allele origin: germline.
Comment: the same text as in the submission from Illumina Laboratory Services, Illumina above.

Illumina Laboratory Services, Illumina
Classification: Likely benign for Autosomal recessive limb-girdle muscular dystrophy type 2J. Last evaluated: 2018-01-12. Review status: criteria provided, single submitter. Criteria: ICSL Variant Classification Criteria 13 December 2019. Collection method: clinical testing. Allele origin: germline.
Comment: the same text as in the submission from Illumina Laboratory Services, Illumina above.

Illumina Laboratory Services, Illumina
Classification: Likely benign for Dilated cardiomyopathy 1G. Last evaluated: 2018-01-12. Review status: criteria provided, single submitter. Criteria: ICSL Variant Classification Criteria 13 December 2019. Collection method: clinical testing. Allele origin: germline.
Comment: the same text as in the submission from Illumina Laboratory Services, Illumina above.

CHEO Genetics Diagnostic Laboratory, Children's Hospital of Eastern Ontario
Classification: Benign for Cardiomyopathy. Last evaluated: 2016-05-02. Review status: criteria provided, single submitter. Criteria: ACMG Guidelines, 2015. Collection method: clinical testing. Allele origin: germline. Study: Canadian Open Genetics Repository.

Laboratory for Molecular Medicine, Mass General Brigham Personalized Medicine
Classification: Benign. Last evaluated: 2015-03-11. Review status: criteria provided, single submitter. Criteria: LMM Criteria. Collection method: clinical testing. Allele origin: germline. Observed: 10 variant alleles.
Comment: Pro17413Pro in exon 252 of TTN: This variant is not expected to have clinical si gnificance because it has been identified in 1.3% (222/16506) of South Asian chr omosomes by the Exome Aggregation Consortium (ExAC, rg).

GeneDx
Classification: Benign. Last evaluated: 2015-03-03. Review status: criteria provided, single submitter. Criteria: GeneDx Variant Classification Process June 2021. Collection method: clinical testing. Allele origin: germline. Affected: yes.

Eurofins Ntd Llc (ga)
Classification: Benign. Last evaluated: 2014-12-23. Review status: criteria provided, single submitter. Criteria: EGL Classification Definitions 2015. Collection method: clinical testing. Allele origin: germline. Observed: 1 variant allele, 1 heterozygote.

Ambry Genetics
Classification: Likely benign for Cardiovascular phenotype. Last evaluated: 2012-12-06. Review status: criteria provided, single submitter. Criteria: Ambry Autosomal Dominant and X-Linked criteria (10/2015). Collection method: clinical testing. Allele origin: germline. Observed: 1 variant allele.

Breakthrough Genomics
Classification: Likely benign. Review status: criteria provided, single submitter. Criteria: ACMG Guidelines, 2015. Collection method: not provided. Allele origin: germline. Inheritance: Autosomal recessive inheritance. Affected: yes.

Clinical Genetics DNA and cytogenetics Diagnostics Lab, Erasmus MC, Erasmus Medical Center
Classification: Likely benign. Review status: no assertion criteria provided. Collection method: clinical testing. Allele origin: germline. Affected: yes. Study: VKGL Data-share Consensus. Not counted in ClinVar's aggregate classification.

Clinical Genetics, Academic Medical Center
Classification: Benign. Review status: no assertion criteria provided. Collection method: clinical testing. Allele origin: germline. Affected: yes. Study: VKGL Data-share Consensus. Not counted in ClinVar's aggregate classification.

Diagnostic Laboratory, Department of Genetics, University Medical Center Groningen
Classification: Likely benign. Review status: no assertion criteria provided. Collection method: clinical testing. Allele origin: germline. Affected: yes. Study: VKGL Data-share Consensus. Not counted in ClinVar's aggregate classification.

Genome Diagnostics Laboratory, University Medical Center Utrecht
Classification: Benign. Review status: no assertion criteria provided. Collection method: clinical testing. Allele origin: germline. Affected: yes. Study: VKGL Data-share Consensus. Not counted in ClinVar's aggregate classification.

NM_001267550.2(TTN):c.59943C>A (p.Pro19981=)

Genes: TTN (titin; minus strand), TTN-AS1 (TTN antisense RNA 1; plus strand), LOC126806424 (CDK7 strongly-dependent group 2 enhancer GRCh37_chr2:179456337-179457536; plus strand). Cytogenetic location: 2q31.2.
Variant type: single nucleotide variant.
Coding change: c.59943C>A on transcript NM_001267550.2 (MANE Select); coding-DNA position 59943, C replaced by A.
Protein change: p.Pro19981=; no amino-acid change (proline 19981 retained).
Molecular consequence: synonymous variant.
Genome position (GRCh38, 1-based): chr2:178,591,876, G>T on the plus strand (C>A on the coding strand, the complement: TTN is on the minus strand). VCF-style: chr2-178591876-G-T. GRCh37 (hg19) VCF-style: chr2-179456603-G-T.
Other names: p.Pro17413=; c.55020C>A, p.Pro18340= (NM_001256850.1); c.52239C>A, p.Pro17413= (NM_133378.4); c.32748C>A, p.Pro10916= (NM_003319.4); c.33123C>A, p.Pro11041= (NM_133432.3); c.33324C>A, p.Pro11108= (NM_133437.4).
Identifiers: ClinVar variation 47156 (VCV000047156.76), dbSNP rs202017608, ClinGen allele CA140161.